The following is an entry in ClinVar:

ClinVar aggregate classification (germline): Uncertain significance (1 of 4 stars; one submission).

Conditions:
Developmental and epileptic encephalopathy, 8 (DEE8). Also called: HYPEREKPLEXIA AND EPILEPSY. Identifiers: Orphanet 163985, Orphanet 2076, MedGen C1845102, MONDO:0010375, OMIM 300607.

Submission:

Labcorp Genetics (formerly Invitae), Labcorp
Classification: Uncertain significance for Developmental and epileptic encephalopathy, 8. Last evaluated: 2023-11-11. Review status: criteria provided, single submitter. Criteria: Invitae Variant Classification Sherloc (09022015). Collection method: clinical testing. Allele origin: germline.
Comment: This sequence change replaces histidine, which is basic and polar, with glutamine, which is neutral and polar, at codon 83 of the ARHGEF9 protein (p.His83Gln). This variant is not present in population databases (gnomAD no frequency). This variant has not been reported in the literature in individuals affected with ARHGEF9-related conditions. Advanced modeling of protein sequence and biophysical properties (such as structural, functional, and spatial information, amino acid conservation, physicochemical variation, residue mobility, and thermodynamic stability) performed at Invitae indicates that this missense variant is not expected to disrupt ARHGEF9 protein function with a negative predictive value of 80%. In summary, the available evidence is currently insufficient to determine the role of this variant in disease. Therefore, it has been classified as a Variant of Uncertain Significance.

NM_001353921.2(ARHGEF9):c.270C>A (p.His90Gln)

Gene: ARHGEF9 (Cdc42 guanine nucleotide exchange factor 9; minus strand). Cytogenetic location: Xq11.1.
Variant type: single nucleotide variant.
Coding change: c.270C>A on transcript NM_001353921.2 (MANE Select); coding-DNA position 270, C replaced by A.
Protein change: p.His90Gln; replaces histidine 90 with glutamine.
Molecular consequence: missense variant. On other transcripts: 5 prime UTR variant (3).
Genome position (GRCh38, 1-based): chrX:63,706,390, G>T on the plus strand (C>A on the coding strand, the complement: ARHGEF9 is on the minus strand). VCF-style: chrX-63706390-G-T. GRCh37 (hg19) VCF-style: chrX-62926270-G-T.
Other names: c.90C>A, p.His30Gln (NM_001173479.2); c.-58C>A (NM_001173480.2, NM_001369042.1); c.186C>A, p.His62Gln (NM_001330495.2, NM_001353927.2, NM_001369033.1 and 8 more transcripts); c.270C>A, p.His90Gln (NM_001353922.2); c.288C>A, p.His96Gln (NM_001353923.1); c.69C>A, p.His23Gln (NM_001353924.2, NM_001353926.2, NM_001369039.1 and 1 more transcripts); c.249C>A, p.His83Gln (NM_001353928.2, NM_001369030.1, NM_001369031.1 and 2 more transcripts); c.-434C>A (NM_001369045.1); short protein forms H23Q, H30Q, H83Q, H90Q, H62Q, H96Q.
Identifiers: ClinVar variation 2751571 (VCV002751571.3), dbSNP rs370765162, ClinGen allele CA413402219.